The following is an entry in ClinVar:

NM_000059.4(BRCA2):c.2225A>G (p.Gln742Arg)

Gene: BRCA2 (BRCA2 DNA repair associated; plus strand). Cytogenetic location: 13q13.1.
Variant type: single nucleotide variant.
Coding change: c.2225A>G on transcript NM_000059.4 (MANE Select); coding-DNA position 2225, A replaced by G.
Protein change: p.Gln742Arg; replaces glutamine 742 with arginine.
Molecular consequence: missense variant.
Genome position (GRCh38, 1-based): chr13:32,336,580, A>G. VCF-style: chr13-32336580-A-G. GRCh37 (hg19) VCF-style: chr13-32910717-A-G.
Other names: short protein forms Q742R.
Identifiers: ClinVar variation 1017013 (VCV001017013.15), dbSNP rs1282599125, ClinGen allele CA387770705.
Genomic context (GRCh38, chr13:32,336,580, plus strand): 5'-AAAGCAAAAAAGTTTCAGATATAAAAGAAGAGGTCTTGGCTGCAGCATGTCACCCAGTAC[A>G]ACATTCAAAAGTGGAATACAGTGATACTGACTTTCAATCCCAGAAAAGTCTTTTATATGA-3'
Protein context (NP_000050.3, residues 732-752): EVLAAACHPV[Gln742Arg]HSKVEYSDTD

ClinVar aggregate classification (germline): Conflicting classifications of pathogenicity. Review status: criteria provided, conflicting classifications (1 of 4 stars). 5 submissions from 5 submitters: Uncertain significance (3); Likely benign (2). Last evaluated 2025-05-27.

Conditions:
Hereditary cancer-predisposing syndrome. Also called: Tumor predisposition; Hereditary Cancer Syndrome; Neoplastic Syndromes, Hereditary; Hereditary neoplastic syndrome. Identifiers: Orphanet 140162, MedGen C0027672, MeSH D009386, MONDO:0015356.
Breast-ovarian cancer, familial, susceptibility to, 2 (BROVCA2). Also called: BRCA2 Hereditary Breast and Ovarian Cancer. Identifiers: Orphanet 145, MedGen C2675520, MONDO:0012933, OMIM 612555. Disease mechanism: loss of function.
Hereditary breast ovarian cancer syndrome. Also called: BRCA1- and BRCA2-Associated Hereditary Breast and Ovarian Cancer; Breast and ovarian cancer; Hereditary breast and/or ovarian cancer syndrome; Hereditary breast and ovarian cancer syndrome (HBOC); Hereditary breast and ovarian cancer syndrome; Hereditary breast and ovarian cancer. Identifiers: Orphanet 145, MedGen C0677776, MeSH D061325, MONDO:0003582. Disease mechanism: loss of function.

Allele frequency attached by ClinVar (database versions not stated): gnomAD exomes below 0.00001; gnomAD 0.00001; TOPMed 0.00001.
gnomAD v4.1: 3 of 1,613,994 alleles (0.00019%); highest among the groups gnomAD compares: South Asian, 0.0011%; no homozygotes.

Submissions (5):

Labcorp Genetics (formerly Invitae), Labcorp
Classification: Uncertain significance for Hereditary breast ovarian cancer syndrome. Last evaluated: 2025-05-27. Review status: criteria provided, single submitter. Criteria: Invitae Variant Classification Sherloc (09022015). Collection method: clinical testing. Allele origin: germline.
Comment: This sequence change replaces glutamine, which is neutral and polar, with arginine, which is basic and polar, at codon 742 of the BRCA2 protein (p.Gln742Arg). This variant is not present in population databases (gnomAD no frequency). This missense change has been observed in individual(s) with breast cancer (PMID: 34326862). ClinVar contains an entry for this variant (Variation ID: 1017013). Invitae Evidence Modeling of protein sequence and biophysical properties (such as structural, functional, and spatial information, amino acid conservation, physicochemical variation, residue mobility, and thermodynamic stability) indicates that this missense variant is not expected to disrupt BRCA2 protein function with a negative predictive value of 95%. In summary, the available evidence is currently insufficient to determine the role of this variant in disease. Therefore, it has been classified as a Variant of Uncertain Significance.

Ambry Genetics
Classification: Likely benign for Hereditary cancer-predisposing syndrome. Last evaluated: 2025-04-28. Review status: criteria provided, single submitter. Criteria: Ambry Variant Classification Scheme 2023. Collection method: clinical testing. Allele origin: germline.

All of Us Research Program, National Institutes of Health
Classification: Uncertain significance for Breast-ovarian cancer, familial, susceptibility to, 2. Last evaluated: 2023-06-26. Review status: criteria provided, single submitter. Criteria: ACMG Guidelines, 2015. Collection method: clinical testing. Allele origin: germline. Inheritance: Autosomal dominant inheritance. Observed: 1 variant allele, 1 heterozygote.
Comment: This missense variant replaces glutamine with arginine at codon 742 of the BRCA2 protein. Computational prediction suggests that this variant may not impact protein structure and function (internally defined REVEL score threshold <= 0.5, PMID: 27666373). To our knowledge, functional studies have not been reported for this variant. This variant has not been reported in individuals affected with BRCA2-related disorders in the literature. This variant has not been identified in the general population by the Genome Aggregation Database (gnomAD). The available evidence is insufficient to determine the role of this variant in disease conclusively. Therefore, this variant is classified as a Variant of Uncertain Significance.

This study involves interpretation of variants in research participants for the purpose of population health screening. Participant phenotype was not available at the time of variant classification. Additional details can be found in publication PMID: 35346344, PMCID: PMC8962531

University of Washington Department of Laboratory Medicine, University of Washington
Classification: Likely benign for Hereditary cancer-predisposing syndrome. Last evaluated: 2023-03-23. Review status: criteria provided, single submitter. Criteria: Dines et al. (Genet Med. 2020). Collection method: curation. Allele origin: germline.
Comment: Missense variant in a coldspot region where missense variants are very unlikely to be pathogenic (PMID:31911673).

BRCA2 exon 11 coldspot. Reclassification based on statistical prior probability.

Color Diagnostics, LLC DBA Color Health
Classification: Uncertain significance for Hereditary cancer-predisposing syndrome. Last evaluated: 2023-01-09. Review status: criteria provided, single submitter. Criteria: ACMG Guidelines, 2015. Collection method: clinical testing. Allele origin: germline.
Comment: This missense variant replaces glutamine with arginine at codon 742 of the BRCA2 protein. Computational prediction suggests that this variant may not impact protein structure and function (internally defined REVEL score threshold <= 0.5, PMID: 27666373). To our knowledge, functional studies have not been reported for this variant. This variant has not been reported in individuals affected with BRCA2-related disorders in the literature. This variant has not been identified in the general population by the Genome Aggregation Database (gnomAD). The available evidence is insufficient to determine the role of this variant in disease conclusively. Therefore, this variant is classified as a Variant of Uncertain Significance.

Literature cited by the submitters: PubMed 34326862 (cited by Labcorp Genetics (formerly Invitae), Labcorp).